The following is an entry in ClinVar:

NM_001142864.4(PIEZO1):c.1281G>A (p.Ala427=)

Genes: HSALR1 (HSP90AB1 associated lncRNA 1; plus strand), PIEZO1 (piezo type mechanosensitive ion channel component 1 (Er blood group); minus strand). Cytogenetic location: 16q24.3.
Variant type: single nucleotide variant.
Coding change: c.1281G>A on transcript NM_001142864.4 (MANE Select); coding-DNA position 1281, G replaced by A.
Protein change: p.Ala427=; no amino-acid change (alanine 427 retained).
Molecular consequence: synonymous variant.
Genome position (GRCh38, 1-based): chr16:88,736,654, C>T on the plus strand (G>A on the coding strand, the complement: PIEZO1 is on the minus strand). VCF-style: chr16-88736654-C-T. GRCh37 (hg19) VCF-style: chr16-88803062-C-T.
Other names: p.Ala427=.
Identifiers: ClinVar variation 784663 (VCV000784663.23), dbSNP rs146687530, ClinGen allele CA8233048.

ClinVar aggregate classification (germline): Benign/Likely benign. Review status: criteria provided, multiple submitters, no conflicts (2 of 4 stars). 5 submissions from 5 submitters: Benign (2); Likely benign (3). Last evaluated 2026-05-01.

Allele frequency attached by ClinVar (database versions not stated): gnomAD exomes 0.00094 and 0.00221; ExAC 0.00332; ESP Exome Variant Server 0.00373; gnomAD 0.00396 and 0.00398; TOPMed 0.00449; 1000 Genomes Project 0.00459; 1000 Genomes Project 30x 0.00625.
gnomAD v4.1: 1,945 of 1,532,072 alleles (0.13%); highest among the groups gnomAD compares: African/African-American, 1.1%; 11 homozygotes.

Submissions (5):

CeGaT Center for Human Genetics Tuebingen
Classification: Likely benign. Last evaluated: 2026-05-01. Review status: criteria provided, single submitter. Criteria: CeGaT Center For Human Genetics Tuebingen Variant Classification Criteria Version 2. Collection method: clinical testing. Allele origin: germline. Affected: yes. Observed: 1 variant allele.
Comment: PIEZO1: BP4, BP7, BS1

Labcorp Genetics (formerly Invitae), Labcorp
Classification: Benign. Last evaluated: 2025-10-26. Review status: criteria provided, single submitter. Criteria: Invitae Variant Classification Sherloc (09022015). Collection method: clinical testing. Allele origin: germline.

ARUP Laboratories, Molecular Genetics and Genomics, ARUP Laboratories
Classification: Benign. Last evaluated: 2025-06-19. Review status: criteria provided, single submitter. Criteria: ARUP Molecular Germline Variant Investigation Process 2024. Collection method: clinical testing. Allele origin: germline.

Blueprint Genetics
Classification: Likely benign. Last evaluated: 2024-11-01. Review status: criteria provided, single submitter. Criteria: ACMG Guidelines, 2015. Collection method: clinical testing. Allele origin: germline.

Mayo Clinic Laboratories, Mayo Clinic
Classification: Likely benign. Last evaluated: 2024-10-15. Review status: criteria provided, single submitter. Criteria: ACMG Guidelines, 2015. Collection method: clinical testing. Allele origin: germline. Observed: 13 variant alleles.